The following is an entry in ClinVar:

ClinVar aggregate classification (germline): Benign. Review status: criteria provided, multiple submitters, no conflicts (2 of 4 stars). 3 submissions from 3 submitters: Benign (3). Last evaluated 2026-06-01.

Allele frequency attached by ClinVar (database versions not stated): ExAC 0.00103; gnomAD exomes 0.00120 and 0.00236; gnomAD 0.00128 and 0.00135; TOPMed 0.00139; ESP Exome Variant Server 0.00208.
gnomAD v4.1: 3,658 of 1,614,216 alleles (0.23%); highest among the groups gnomAD compares: Middle Eastern, 0.28%; 7 homozygotes.

Submissions (3):

CeGaT Center for Human Genetics Tuebingen
Classification: Benign. Last evaluated: 2026-06-01. Review status: criteria provided, single submitter. Criteria: CeGaT Center For Human Genetics Tuebingen Variant Classification Criteria Version 2. Collection method: clinical testing. Allele origin: germline. Affected: yes. Observed: 2 variant alleles.
Comment: MST1R: BP4, BS1, BS2

Labcorp Genetics (formerly Invitae), Labcorp
Classification: Benign. Last evaluated: 2019-12-31. Review status: criteria provided, single submitter. Criteria: Invitae Variant Classification Sherloc (09022015). Collection method: clinical testing. Allele origin: germline.

Breakthrough Genomics
Classification: Benign. Review status: criteria provided, single submitter. Criteria: ACMG Guidelines, 2015. Collection method: not provided. Allele origin: germline. Inheritance: Autosomal dominant inheritance. Affected: yes.

NM_002447.4(MST1R):c.1488G>A (p.Gln496=)

Gene: MST1R (macrophage stimulating 1 receptor; minus strand). Cytogenetic location: 3p21.31.
Variant type: single nucleotide variant.
Coding change: c.1488G>A on transcript NM_002447.4 (MANE Select); coding-DNA position 1488, G replaced by A.
Protein change: p.Gln496=; no amino-acid change (glutamine 496 retained).
Molecular consequence: synonymous variant. On other transcripts: non-coding transcript variant (1), intron variant (1).
Genome position (GRCh38, 1-based): chr3:49,898,927, C>T on the plus strand (G>A on the coding strand, the complement: MST1R is on the minus strand). VCF-style: chr3-49898927-C-T. GRCh37 (hg19) VCF-style: chr3-49936360-C-T.
Other names: c.1488G>A, p.Gln496= (NM_001244937.3); c.1231-239G>A (NM_001318913.2).
Identifiers: ClinVar variation 774297 (VCV000774297.29), dbSNP rs55898810, ClinGen allele CA2409220.